The following is an entry in ClinVar:

NM_001289808.2(CRYAB):c.16C>T (p.His6Tyr)

Gene: CRYAB (crystallin alpha B; minus strand). Cytogenetic location: 11q23.1.
Variant type: single nucleotide variant.
Coding change: c.16C>T on transcript NM_001289808.2 (MANE Select); coding-DNA position 16, C replaced by T.
Protein change: p.His6Tyr; replaces histidine 6 with tyrosine.
Molecular consequence: missense variant.
Genome position (GRCh38, 1-based): chr11:111,911,709, G>A on the plus strand (C>T on the coding strand, the complement: CRYAB is on the minus strand). VCF-style: chr11-111911709-G-A. GRCh37 (hg19) VCF-style: chr11-111782433-G-A.
Other names: p.H6Y:CAC>TAC; c.16C>T, p.His6Tyr (NM_001289807.1, NM_001368245.1, NM_001885.3); short protein forms H6Y.
Identifiers: ClinVar variation 201688 (VCV000201688.3), dbSNP rs794728982, ClinGen allele CA308248.

ClinVar aggregate classification (germline): Uncertain significance. Review status: criteria provided, multiple submitters, no conflicts (2 of 4 stars). 2 submissions from 2 submitters: Uncertain significance (2). Last evaluated 2021-09-03.

Conditions:
Myofibrillar myopathy 2. Also called: MYOPATHY, MYOFIBRILLAR, WITH OR WITHOUT CATARACT AND/OR CARDIOMYOPATHY; MYOPATHY, MYOFIBRILLAR, 2A, ADULT-ONSET; MYOPATHY, DESMIN-RELATED, ASSOCIATED WITH MUTATION IN THE CRYAB GENE; MYOPATHY, MYOFIBRILLAR, ALPHA-B CRYSTALLIN-RELATED. Identifiers: Orphanet 280553, Orphanet 399058, MedGen C1837317, MONDO:0012130.
Dilated cardiomyopathy 1II (CMD1II). Identifiers: Orphanet 154, MedGen C3554649, MONDO:0014073, OMIM 615184.
Fatal infantile hypertonic myofibrillar myopathy (MFM2B). Also called: MFM, FATAL INFANTILE HYPERTONIC, ALPHA-B CRYSTALLIN-RELATED; MYOPATHY, MYOFIBRILLAR, 2B, INFANTILE-ONSET. Identifiers: Orphanet 280553, MedGen C5190691, MONDO:0013472, OMIM 613869.
Cataract 16 multiple types. Also called: CATARACT 16, POSTERIOR POLAR; CATARACT 16, CONGENITAL LAMELLAR; CATARACT, CONGENITAL LAMELLAR. Identifiers: Orphanet 91492, Orphanet 98992, Orphanet 98993, Orphanet 98995, MedGen C3808377, MONDO:0013411, OMIM 613763.

Allele frequency attached by ClinVar (database versions not stated): TOPMed below 0.00001.

Submissions (2):

Fulgent Genetics
Classification: Uncertain significance for Cataract 16 multiple types; Fatal infantile hypertonic myofibrillar myopathy; Dilated cardiomyopathy 1II. Last evaluated: 2021-09-03. Review status: criteria provided, single submitter. Criteria: ACMG Guidelines, 2015. Collection method: clinical testing. Allele origin: unknown.

GeneDx
Classification: Uncertain significance. Last evaluated: 2014-03-31. Review status: criteria provided, single submitter. Criteria: GeneDx Variant Classification (06012015). Collection method: clinical testing. Allele origin: germline. Affected: yes.
Comment: p.His6Tyr (CAC>TAC): c.16 C>T in exon 1 of the CRYAB gene (NM_001885.1). A variant of unknown significance has been identified in the CRYAB gene. The H6Y variant has not been published as a mutation, nor has it been reported as a benign polymorphism to our knowledge. The H6Y variant was not observed in approximately 6,500 individuals of European and African American ancestry in the NHLBI Exome Sequencing Project, indicating it is not a common benign variant in these populations. The H6Y variant is a non-conservative amino acid substitution, which is likely to impact secondary protein structure as these residues differ in polarity, charge, size and/or other properties. This substitution occurs at a position that is conserved in mammals. In silico algorithms are not consistent in their predictions but at least two concur that H6Y is benign to the protein structure/function. Therefore, based on the currently available information, it is unclear whether this variant is a pathogenic mutation or a rare benign variant. The variant is found in CARDIOMYOPATHY panel(s).